The following is an entry in ClinVar:

NM_144997.7(FLCN):c.1533_1536del (p.Glu510_Trp511insTer)

Gene: FLCN (folliculin; minus strand). Cytogenetic location: 17p11.2.
Variant type: Deletion.
Coding change: c.1533_1536del on transcript NM_144997.7 (MANE Select); coding-DNA positions 1533 to 1536, 4 bases deleted (GATG; older notation c.1533_1536delGATG).
Protein change: p.Glu510_Trp511insTer.
Molecular consequence: nonsense.
Genome position (GRCh38, 1-based): chr17:17,214,987-17,214,990, CATC deleted on the plus strand (GATG on the coding strand, the reverse complement: FLCN is on the minus strand); deleting any 4 consecutive bases within chr17:17,214,987-17,214,992 gives the same sequence; the c. name uses the placement nearest the transcript's 3' end. VCF-style (leftmost placement, unchanged base first): chr17-17214986-TCATC-T. GRCh37 (hg19) VCF-style: chr17-17118300-TCATC-T.
Other names: c.1533_1536del (LRG_325t1); c.1533_1536delGATG (NM_144997.5); c.1587_1590del, p.Glu528_Trp529insTer (NM_001353229.2); c.1533_1536del, p.Glu510_Trp511insTer (NM_001353230.2, NM_001353231.2).
Identifiers: ClinVar variation 3372 (VCV000003372.6), dbSNP rs886037608, ClinGen allele CA10575474.

ClinVar aggregate classification (germline): Pathogenic. Review status: criteria provided, multiple submitters, no conflicts (2 of 4 stars). 4 submissions from 4 submitters: Pathogenic (2). 2 of the submissions do not count toward it. Last evaluated 2025-05-23.

Conditions:
Hereditary cancer-predisposing syndrome. Also called: Neoplastic Syndromes, Hereditary; Hereditary Cancer Syndrome; Tumor predisposition; Hereditary neoplastic syndrome. Identifiers: Orphanet 140162, MedGen C0027672, MeSH D009386, MONDO:0015356.
Birt-Hogg-Dube syndrome. Also called: Birt Hogg Dubé syndrome. Identifiers: Orphanet 122, MedGen C0346010, MONDO:0800444.
Familial spontaneous pneumothorax (PSP). Identifiers: Orphanet 2903, MedGen C1868193, MONDO:0008259, OMIM 173600.

Submissions (4):

Ambry Genetics
Classification: Pathogenic for Hereditary cancer-predisposing syndrome. Last evaluated: 2025-05-23. Review status: criteria provided, single submitter. Criteria: Ambry Variant Classification Scheme 2023. Collection method: clinical testing. Allele origin: germline.
Comment: The c.1533_1536delGATG pathogenic mutation, located in coding exon 10 of the FLCN gene, results from a deletion of 4 nucleotides at nucleotide positions 1533 to 1536, causing a translational frameshift with a predicted alternate stop codon (p.W511*). This variant was reported in individuals with features consistent with Birt-Hogg-Dube syndrome (Namba Y et al. PLoS One, 2023 Jul;18:e0289175; Atsukawa N et al. Intern Med, 2021 Sep;60:3047-3050; Guo T et al. Ann Transl Med, 2020 Nov;8:1436; Furuya M et al. Clin Genet, 2016 Nov;90:403-412; Kumasaka T et al. Histopathology, 2014 Jul;65:100-10; Ambry internal data). This variant is considered to be rare based on population cohorts in the Genome Aggregation Database (gnomAD). In addition to the information presented in the literature, this alteration is expected to result in loss of function by premature protein truncation or nonsense-mediated mRNA decay. As such, this alteration is interpreted as a disease-causing mutation.

Labcorp Genetics (formerly Invitae), Labcorp
Classification: Pathogenic for Birt-Hogg-Dube syndrome. Last evaluated: 2023-09-27. Review status: criteria provided, single submitter. Criteria: Invitae Variant Classification Sherloc (09022015). Collection method: clinical testing. Allele origin: germline.
Comment: This sequence change creates a premature translational stop signal (p.Trp511*) in the FLCN gene. While this is not anticipated to result in nonsense mediated decay, it is expected to disrupt the last 69 amino acid(s) of the FLCN protein. This premature translational stop signal has been observed in individual(s) with clinical features of FLCN-related condition (PMID: 17496196, 20413710, 22441547). For these reasons, this variant has been classified as Pathogenic. This variant disrupts a region of the FLCN protein in which other variant(s) (p.Arg527*) have been determined to be pathogenic (PMID: 15852235, 17028174). This suggests that this is a clinically significant region of the protein, and that variants that disrupt it are likely to be disease-causing. ClinVar contains an entry for this variant (Variation ID: 3372). This variant is not present in population databases (gnomAD no frequency).

Division of Respiratory Medicine of Juntendo University, Juntendo University Faculty of Medicine and Graduate School of Medicine
Classification: Pathogenic for Birt-Hogg-Dube syndrome 1. Last evaluated: 2023-07-01. Review status: no assertion criteria provided. Collection method: clinical testing. Allele origin: germline. Affected: yes. Not counted in ClinVar's aggregate classification.

OMIM
Classification: Pathogenic for PNEUMOTHORAX, PRIMARY SPONTANEOUS. Last evaluated: 2009-09-01. Review status: no assertion criteria provided. Collection method: literature only. Allele origin: germline. Not counted in ClinVar's aggregate classification.

Literature cited by the submitters: PubMed 24393238 (cited by Ambry Genetics); PubMed 27220747 (cited by Ambry Genetics); PubMed 33313181 (cited by Ambry Genetics); PubMed 33814490 (cited by Ambry Genetics); PubMed 37490463 (cited by Ambry Genetics); PubMed 17496196 (cited by Labcorp Genetics (formerly Invitae), Labcorp and OMIM); PubMed 20413710 (cited by Labcorp Genetics (formerly Invitae), Labcorp); PubMed 22441547 (cited by Labcorp Genetics (formerly Invitae), Labcorp); PubMed 15852235 (cited by Labcorp Genetics (formerly Invitae), Labcorp); PubMed 17028174 (cited by Labcorp Genetics (formerly Invitae), Labcorp); PubMed 19562744 (cited by OMIM).